The following is an entry in ClinVar:

NM_001242896.3(DEPDC5):c.4287C>G (p.Tyr1429Ter)

Gene: DEPDC5 (DEP domain containing 5, GATOR1 subcomplex subunit; plus strand). Cytogenetic location: 22q12.3.
Variant type: single nucleotide variant.
Coding change: c.4287C>G on transcript NM_001242896.3 (MANE Select); coding-DNA position 4287, C replaced by G.
Protein change: p.Tyr1429Ter; replaces tyrosine 1429 with a stop codon.
Molecular consequence: nonsense. On other transcripts: non-coding transcript variant (5).
Genome position (GRCh38, 1-based): chr22:31,897,565, C>G. VCF-style: chr22-31897565-C-G. GRCh37 (hg19) VCF-style: chr22-32293551-C-G.
Other names: c.4260C>G, p.Tyr1420Ter (NM_001136029.4); c.3987C>G, p.Tyr1329Ter (NM_001242897.2); c.4221C>G, p.Tyr1407Ter (NM_001363852.2, NM_001364320.2); c.4053C>G, p.Tyr1351Ter (NM_001363854.2, NM_001364319.2); c.4287C>G, p.Tyr1429Ter (NM_001364318.2); c.4203C>G, p.Tyr1401Ter (NM_001369901.1, NM_001369902.1); c.4194C>G, p.Tyr1398Ter (NM_001369903.1, NM_014662.6); short protein forms Y1329*, Y1429*, Y1351*, Y1398*, Y1401*, Y1420*, Y1407*.
Identifiers: ClinVar variation 590153 (VCV000590153.5), dbSNP rs1569232705, ClinGen allele CA411288400.

ClinVar aggregate classification (germline): Pathogenic (1 of 4 stars; one submission).

Conditions:
Inborn genetic diseases. Identifiers: MedGen C0950123, MeSH D030342.

Submission:

Ambry Genetics
Classification: Pathogenic for Inborn genetic diseases. Last evaluated: 2017-05-25. Review status: criteria provided, single submitter. Criteria: Ambry Variant Classification Scheme 2023. Collection method: clinical testing. Allele origin: germline.
Comment: The p.Y1429* pathogenic mutation (also known as c.4287C>G), located in coding exon 39 of the DEPDC5 gene, results from a C to G substitution at nucleotide position 4287. This changes the amino acid from a tyrosine to a stop codon within coding exon 39. This alteration is expected to result in loss of function by premature protein truncation or nonsense-mediated mRNA decay. As such, this alteration is interpreted as a disease-causing mutation.